The following is an entry in ClinVar:

ClinVar aggregate classification (germline): Likely benign. Review status: criteria provided, multiple submitters, no conflicts (2 of 4 stars). 2 submissions from 2 submitters: Likely benign (2). Last evaluated 2024-10-18.

gnomAD v4.1: 13 of 1,459,876 alleles (0.00089%); highest among the groups gnomAD compares: Middle Eastern, 0.022%; no homozygotes.

Submissions (2):

Blueprint Genetics
Classification: Likely benign. Last evaluated: 2024-10-18. Review status: criteria provided, single submitter. Criteria: ACMG Guidelines, 2015. Collection method: clinical testing. Allele origin: germline.

CeGaT Center for Human Genetics Tuebingen
Classification: Likely benign. Last evaluated: 2023-08-01. Review status: criteria provided, single submitter. Criteria: CeGaT Center For Human Genetics Tuebingen Variant Classification Criteria Version 2. Collection method: clinical testing. Allele origin: germline. Affected: yes. Observed: 1 variant allele.
Comment: MTFMT: PM2:Supporting, BP4, BP7

NM_139242.4(MTFMT):c.21C>T (p.Arg7=)

Gene: MTFMT (mitochondrial methionyl-tRNA formyltransferase; minus strand). Cytogenetic location: 15q22.31.
Variant type: single nucleotide variant.
Coding change: c.21C>T on transcript NM_139242.4 (MANE Select); coding-DNA position 21, C replaced by T.
Protein change: p.Arg7=; no amino-acid change (arginine 7 retained).
Molecular consequence: synonymous variant.
Genome position (GRCh38, 1-based): chr15:65,029,593, G>A on the plus strand (C>T on the coding strand, the complement: MTFMT is on the minus strand). VCF-style: chr15-65029593-G-A. GRCh37 (hg19) VCF-style: chr15-65321931-G-A.
Identifiers: ClinVar variation 2645453 (VCV002645453.25), dbSNP rs796183698, ClinGen allele CA490827040.